The following is an entry in ClinVar:

ClinVar aggregate classification (germline): Uncertain significance. Review status: criteria provided, multiple submitters, no conflicts (2 of 4 stars). 2 submissions from 2 submitters: Uncertain significance (2). Last evaluated 2024-09-02.

Conditions:
Hereditary cancer-predisposing syndrome. Also called: Tumor predisposition; Neoplastic Syndromes, Hereditary; Hereditary neoplastic syndrome; Hereditary Cancer Syndrome. Identifiers: Orphanet 140162, MedGen C0027672, MeSH D009386, MONDO:0015356.

Submissions (2):

Ambry Genetics
Classification: Uncertain significance for Hereditary cancer-predisposing syndrome. Last evaluated: 2024-09-02. Review status: criteria provided, single submitter. Criteria: Ambry Variant Classification Scheme 2023. Collection method: clinical testing. Allele origin: germline.
Comment: The p.H237L variant (also known as c.710A>T), located in coding exon 3 of the XRCC2 gene, results from an A to T substitution at nucleotide position 710. The histidine at codon 237 is replaced by leucine, an amino acid with similar properties. This amino acid position is conserved. In addition, the in silico prediction for this alteration is inconclusive. Based on the available evidence, the clinical significance of this variant remains unclear.

Labcorp Genetics (formerly Invitae), Labcorp
Classification: Uncertain significance. Last evaluated: 2021-03-11. Review status: criteria provided, single submitter. Criteria: Invitae Variant Classification Sherloc (09022015). Collection method: clinical testing. Allele origin: germline.
Comment: This sequence change replaces histidine with leucine at codon 237 of the XRCC2 protein (p.His237Leu). The histidine residue is highly conserved and there is a moderate physicochemical difference between histidine and leucine. This variant is not present in population databases (ExAC no frequency). This variant has not been reported in the literature in individuals with XRCC2-related conditions. Algorithms developed to predict the effect of missense changes on protein structure and function are either unavailable or do not agree on the potential impact of this missense change (SIFT: "Deleterious"; PolyPhen-2: "Benign"; Align-GVGD: "Class C65"). In summary, the available evidence is currently insufficient to determine the role of this variant in disease. Therefore, it has been classified as a Variant of Uncertain Significance.

NM_005431.2(XRCC2):c.710A>T (p.His237Leu)

Gene: XRCC2 (X-ray repair cross complementing 2; minus strand). Cytogenetic location: 7q36.1.
Variant type: single nucleotide variant.
Coding change: c.710A>T on transcript NM_005431.2 (MANE Select); coding-DNA position 710, A replaced by T.
Protein change: p.His237Leu; replaces histidine 237 with leucine.
Molecular consequence: missense variant.
Genome position (GRCh38, 1-based): chr7:152,648,775, T>A on the plus strand (A>T on the coding strand, the complement: XRCC2 is on the minus strand). VCF-style: chr7-152648775-T-A. GRCh37 (hg19) VCF-style: chr7-152345860-T-A.
Other names: c.710A>T (NM_005431.1); short protein forms H237L.
Identifiers: ClinVar variation 1516024 (VCV001516024.9), dbSNP rs2116987140, ClinGen allele CA370198114.